The following is an entry in ClinVar:

NM_001371986.1(UNC80):c.1571G>C (p.Gly524Ala)

Gene: UNC80 (unc-80 subunit of NALCN channel complex; plus strand). Cytogenetic location: 2q34.
Variant type: single nucleotide variant.
Coding change: c.1571G>C on transcript NM_001371986.1 (MANE Select); coding-DNA position 1571, G replaced by C.
Protein change: p.Gly524Ala; replaces glycine 524 with alanine.
Molecular consequence: missense variant.
Genome position (GRCh38, 1-based): chr2:209,817,830, G>C. VCF-style: chr2-209817830-G-C. GRCh37 (hg19) VCF-style: chr2-210682554-G-C.
Other names: c.1571G>C, p.Gly524Ala (NM_032504.2, NM_182587.4); c.1571G>C (NM_032504.1); short protein forms G524A.
Identifiers: ClinVar variation 1360432 (VCV001360432.9), dbSNP rs1281431858, ClinGen allele CA350134991.

ClinVar aggregate classification (germline): Uncertain significance. Review status: criteria provided, multiple submitters, no conflicts (2 of 4 stars). 3 submissions from 3 submitters: Uncertain significance (3). Last evaluated 2026-03-12.

Conditions:
Inborn genetic diseases. Identifiers: MedGen C0950123, MeSH D030342.

Allele frequency attached by ClinVar (database versions not stated): TOPMed below 0.00001; gnomAD 0.00001; gnomAD exomes 0.00002.
gnomAD v4.1: 5 of 1,551,464 alleles (0.00032%); highest among the groups gnomAD compares: Admixed American, 0.0098%; no homozygotes.

Submissions (3):

GeneDx
Classification: Uncertain significance. Last evaluated: 2026-03-12. Review status: criteria provided, single submitter. Criteria: GeneDx Variant Classification Process June 2021. Collection method: clinical testing. Allele origin: germline.
Comment: In silico analysis suggests that this missense variant does not alter protein structure/function; Has not been previously published as pathogenic or benign to our knowledge

Labcorp Genetics (formerly Invitae), Labcorp
Classification: Uncertain significance. Last evaluated: 2024-10-17. Review status: criteria provided, single submitter. Criteria: Invitae Variant Classification Sherloc (09022015). Collection method: clinical testing. Allele origin: germline.
Comment: This sequence change replaces glycine, which is neutral and non-polar, with alanine, which is neutral and non-polar, at codon 524 of the UNC80 protein (p.Gly524Ala). This variant is present in population databases (no rsID available, gnomAD 0.01%). This variant has not been reported in the literature in individuals affected with UNC80-related conditions. ClinVar contains an entry for this variant (Variation ID: 1360432). An algorithm developed to predict the effect of missense changes on protein structure and function (PolyPhen-2) suggests that this variant is likely to be disruptive. In summary, the available evidence is currently insufficient to determine the role of this variant in disease. Therefore, it has been classified as a Variant of Uncertain Significance.

Ambry Genetics
Classification: Uncertain significance for Inborn genetic diseases. Last evaluated: 2024-09-26. Review status: criteria provided, single submitter. Criteria: Ambry Variant Classification Scheme 2023. Collection method: clinical testing. Allele origin: germline.